The following is an entry in ClinVar:

ClinVar aggregate classification (germline): Likely benign (1 of 4 stars; one submission).

Allele frequency attached by ClinVar (database versions not stated): ExAC 0.00001.

Submission:

Women's Health and Genetics/Laboratory Corporation of America, LabCorp
Classification: Likely benign. Last evaluated: 2023-08-22. Review status: criteria provided, single submitter. Criteria: LabCorp Variant Classification Summary - May 2015. Collection method: clinical testing. Allele origin: germline.
Comment: Variant summary: SGCE c.464-10C>G alters a non-conserved nucleotide located at a position not widely known to affect splicing. Computational tools predict no significant impact on normal splicing. However, these predictions have yet to be confirmed by functional studies. The variant was absent in 248774 control chromosomes. The available data on variant occurrences in the general population are insufficient to allow any conclusion about variant significance. To our knowledge, no occurrence of c.464-10C>G in individuals affected with Myoclonic Dystonia 11 and no experimental evidence demonstrating its impact on protein function have been reported. No submitters have cited clinical-significance assessments for this variant to ClinVar after 2014. Based on the evidence outlined above, the variant was classified as likely benign.

NM_003919.3(SGCE):c.464-10C>G

Genes: CASD1 (CAS1 domain containing 1; plus strand), SGCE (sarcoglycan epsilon; minus strand). Cytogenetic location: 7q21.3.
Variant type: single nucleotide variant.
Coding change: c.464-10C>G on transcript NM_003919.3 (MANE Select); 10 bases into the intron before coding-DNA position 464, C replaced by G.
Molecular consequence: intron variant.
Genome position (GRCh38, 1-based): chr7:94,618,966, G>C on the plus strand (C>G on the coding strand, the complement: SGCE is on the minus strand). VCF-style: chr7-94618966-G-C. GRCh37 (hg19) VCF-style: chr7-94248278-G-C.
Other names: c.341-10C>G (NM_001362809.2, NM_001301139.2); c.464-10C>G (NM_001346717.2, NM_001099400.2, NM_001099401.2); c.572-10C>G (NM_001346715.2, NM_001346713.2); c.377-10C>G (NM_001362807.2, NM_001346719.2); c.191-10C>G (NM_001362808.2, NM_001346720.2).
Identifiers: ClinVar variation 2581291 (VCV002581291.1), dbSNP rs780787116, ClinGen allele CA4348787.